The following is an entry in ClinVar:

NM_000092.5(COL4A4):c.976-3T>C

Gene: COL4A4 (collagen type IV alpha 4 chain; minus strand). Cytogenetic location: 2q36.3.
Variant type: single nucleotide variant.
Coding change: c.976-3T>C on transcript NM_000092.5 (MANE Select); 3 bases into the intron before coding-DNA position 976, T replaced by C.
Molecular consequence: intron variant.
Genome position (GRCh38, 1-based): chr2:227,101,560, A>G on the plus strand (T>C on the coding strand, the complement: COL4A4 is on the minus strand). VCF-style: chr2-227101560-A-G. GRCh37 (hg19) VCF-style: chr2-227966276-A-G.
Identifiers: ClinVar variation 2184252 (VCV002184252.3), dbSNP rs778930723, ClinGen allele CA2145321.

ClinVar aggregate classification (germline): Uncertain significance. Review status: criteria provided, multiple submitters, no conflicts (2 of 4 stars). 2 submissions from 2 submitters: Uncertain significance (2). Last evaluated 2026-02-27.

Allele frequency attached by ClinVar (database versions not stated): gnomAD exomes below 0.00001; ExAC 0.00001; gnomAD 0.00001.
gnomAD v4.1: 2 of 1,601,706 alleles (0.00012%); highest among the groups gnomAD compares: Admixed American, 0.0034%; no homozygotes.

Submissions (2):

GeneDx
Classification: Uncertain significance. Last evaluated: 2026-02-27. Review status: criteria provided, single submitter. Criteria: GeneDx Variant Classification Process June 2021. Collection method: clinical testing. Allele origin: germline. Affected: yes.
Comment: Not observed at significant frequency in large population cohorts (gnomAD); Has not been previously published as pathogenic or benign to our knowledge; In silico analysis suggests that this variant does not alter splicing

Labcorp Genetics (formerly Invitae), Labcorp
Classification: Uncertain significance. Last evaluated: 2019-10-18. Review status: criteria provided, single submitter. Criteria: Invitae Variant Classification Sherloc (09022015). Collection method: clinical testing. Allele origin: germline.
Comment: This sequence change falls in intron 16 of the COL4A4 gene. It does not directly change the encoded amino acid sequence of the COL4A4 protein, but it affects a nucleotide within the consensus splice site of the intron. This variant is present in population databases (rs778930723, ExAC 0.009%). This variant has not been reported in the literature in individuals with COL4A4-related conditions. Nucleotide substitutions within the consensus splice site are a relatively common cause of aberrant splicing (PMID: 17576681, 9536098). Algorithms developed to predict the effect of sequence changes on RNA splicing suggest that this variant is not likely to affect RNA splicing, but this prediction has not been confirmed by published transcriptional studies. In summary, the available evidence is currently insufficient to determine the role of this variant in disease. Therefore, it has been classified as a Variant of Uncertain Significance.

Literature cited by the submitters: PubMed 17576681 (cited by Labcorp Genetics (formerly Invitae), Labcorp); PubMed 9536098 (cited by Labcorp Genetics (formerly Invitae), Labcorp).